The following is an entry in ClinVar:

NM_002769.5(PRSS1):c.307A>G (p.Thr103Ala)

Genes: PRSS1 (serine protease 1; plus strand), TRB (T cell receptor beta locus; plus strand). Cytogenetic location: 7q34.
Variant type: single nucleotide variant.
Coding change: c.307A>G on transcript NM_002769.5 (MANE Select); coding-DNA position 307, A replaced by G.
Protein change: p.Thr103Ala; replaces threonine 103 with alanine.
Molecular consequence: missense variant. On other transcripts: non-coding transcript variant (4).
Genome position (GRCh38, 1-based): chr7:142,751,880, A>G. VCF-style: chr7-142751880-A-G. GRCh37 (hg19) VCF-style: chr7-142459731-A-G.
Other names: short protein forms T103A.
Identifiers: ClinVar variation 4862590 (VCV004862590.1).
Genomic context (GRCh38, chr7:142,751,880, plus strand): 5'-GGGAATGAGCAGTTCATCAATGCAGCCAAGATCATCCGCCACCCCCAATACGACAGGAAG[A>G]CTCTGAACAATGACATCATGTTAATCAAGCTCTCCTCACGTGCAGTAATCAACGCCCGCG-3'
Protein context (NP_002760.1, residues 93-113): IIRHPQYDRK[Thr103Ala]LNNDIMLIKL

ClinVar aggregate classification (germline): Uncertain significance (1 of 4 stars; one submission).

Conditions:
Hereditary pancreatitis (PCTT). Also called: Hereditary chronic pancreatitis; PRSS1-Related Hereditary Pancreatitis. Identifiers: Orphanet 676, MedGen C0238339, MONDO:0008185, OMIM 167800.

Submission:

Ambry Genetics
Classification: Uncertain significance for Hereditary pancreatitis. Last evaluated: 2026-04-04. Review status: criteria provided, single submitter. Criteria: Ambry Variant Classification Scheme 2023. Collection method: clinical testing. Allele origin: germline.
Comment: The p.T103A variant (also known as c.307A>G), located in coding exon 3 of the PRSS1 gene, results from an A to G substitution at nucleotide position 307. The threonine at codon 103 is replaced by alanine, an amino acid with similar properties. This amino acid position is conserved. In addition, the in silico prediction for this alteration is inconclusive. Based on the available evidence, the clinical significance of this variant remains unclear.